The following is an entry in ClinVar:

ClinVar aggregate classification (germline): Uncertain significance (1 of 4 stars; one submission).

gnomAD v4.1: 10 of 1,614,144 alleles (0.00062%); highest among the groups gnomAD compares: South Asian, 0.011%; no homozygotes.

Submission:

Labcorp Genetics (formerly Invitae), Labcorp
Classification: Uncertain significance. Last evaluated: 2022-10-30. Review status: criteria provided, single submitter. Criteria: Invitae Variant Classification Sherloc (09022015). Collection method: clinical testing. Allele origin: germline.
Comment: In summary, the available evidence is currently insufficient to determine the role of this variant in disease. Therefore, it has been classified as a Variant of Uncertain Significance. Algorithms developed to predict the effect of missense changes on protein structure and function (SIFT, PolyPhen-2, Align-GVGD) all suggest that this variant is likely to be tolerated. This variant has not been reported in the literature in individuals affected with DLL1-related conditions. This variant is present in population databases (rs772542921, gnomAD 0.02%). This sequence change replaces arginine, which is basic and polar, with leucine, which is neutral and non-polar, at codon 392 of the DLL1 protein (p.Arg392Leu).

NM_005618.4(DLL1):c.1175G>T (p.Arg392Leu)

Gene: DLL1 (delta like canonical Notch ligand 1; minus strand). Cytogenetic location: 6q27.
Variant type: single nucleotide variant.
Coding change: c.1175G>T on transcript NM_005618.4 (MANE Select); coding-DNA position 1175, G replaced by T.
Protein change: p.Arg392Leu; replaces arginine 392 with leucine.
Molecular consequence: missense variant.
Genome position (GRCh38, 1-based): chr6:170,284,993, C>A on the plus strand (G>T on the coding strand, the complement: DLL1 is on the minus strand). VCF-style: chr6-170284993-C-A. GRCh37 (hg19) VCF-style: chr6-170594081-C-A.
Other names: short protein forms R392L.
Identifiers: ClinVar variation 2794238 (VCV002794238.3), dbSNP rs772542921, ClinGen allele CA4106912.